The following is an entry in ClinVar:

ClinVar aggregate classification (germline): Likely benign. Review status: criteria provided, multiple submitters, no conflicts (2 of 4 stars). 5 submissions from 5 submitters: Likely benign (5). Last evaluated 2026-07-09.

Conditions:
Cardiovascular phenotype. Identifiers: MedGen CN230736.
MYH6-related disorder. Also called: MYH6-Related Disorders; MYH6-related condition.
Hypertrophic cardiomyopathy 14. Identifiers: MedGen C2750467, MONDO:0013197, OMIM 613251.

Allele frequency attached by ClinVar (database versions not stated): TOPMed 0.00006; gnomAD 0.00007 and 0.00008; ExAC 0.00014; gnomAD exomes 0.00017.

Submissions (5):

PreventionGenetics, part of Exact Sciences
Classification: Likely benign for MYH6-related condition. Last evaluated: 2026-07-09. Review status: criteria provided, single submitter. Criteria: ACMG Guidelines, 2015. Collection method: clinical testing. Allele origin: germline.
Comment: This variant is classified as likely benign based on ACMG/AMP sequence variant interpretation guidelines (Richards et al. 2015 PMID: 25741868, with internal and published modifications).

Ambry Genetics
Classification: Likely benign for Cardiovascular phenotype. Last evaluated: 2026-06-22. Review status: criteria provided, single submitter. Criteria: Ambry Variant Classification Scheme 2023. Collection method: clinical testing. Allele origin: germline.

CeGaT Center for Human Genetics Tuebingen
Classification: Likely benign. Last evaluated: 2025-12-01. Review status: criteria provided, single submitter. Criteria: CeGaT Center For Human Genetics Tuebingen Variant Classification Criteria Version 2. Collection method: clinical testing. Allele origin: germline. Affected: yes. Observed: 1 variant allele.
Comment: MYH6: BP4, BP7

Labcorp Genetics (formerly Invitae), Labcorp
Classification: Likely benign for Hypertrophic cardiomyopathy 14. Last evaluated: 2025-10-13. Review status: criteria provided, single submitter. Criteria: Invitae Variant Classification Sherloc (09022015). Collection method: clinical testing. Allele origin: germline.

Blueprint Genetics
Classification: Likely benign. Last evaluated: 2023-02-28. Review status: criteria provided, single submitter. Criteria: ACMG Guidelines, 2015. Collection method: clinical testing. Allele origin: germline.

NM_002471.4(MYH6):c.888G>A (p.Pro296=)

Gene: MYH6 (myosin heavy chain 6; minus strand). Cytogenetic location: 14q11.2.
Variant type: single nucleotide variant.
Coding change: c.888G>A on transcript NM_002471.4 (MANE Select); coding-DNA position 888, G replaced by A.
Protein change: p.Pro296=; no amino-acid change (proline 296 retained).
Molecular consequence: synonymous variant.
Genome position (GRCh38, 1-based): chr14:23,403,358, C>T on the plus strand (G>A on the coding strand, the complement: MYH6 is on the minus strand). VCF-style: chr14-23403358-C-T. GRCh37 (hg19) VCF-style: chr14-23872567-C-T.
Identifiers: ClinVar variation 239181 (VCV000239181.20), dbSNP rs765433125, ClinGen allele CA7115994.